The following is an entry in ClinVar:

NM_018139.3(DNAAF2):c.1083CGC[3] (p.Ala365del)

Genes: DNAAF2 (dynein axonemal assembly factor 2; minus strand), LOC130055542 (ATAC-STARR-seq lymphoblastoid silent region 5699; plus strand). Cytogenetic location: 14q21.3.
Variant type: Microsatellite.
Coding change: c.1083CGC[3] on transcript NM_018139.3 (MANE Select); three copies in a row of the 3-base unit CGC starting at c.1083; the reference has four copies in a row; one copy, 3 bases deleted.
Protein change: p.Ala365del; deletes alanine 365.
Molecular consequence: inframe deletion.
Genome position (GRCh38, 1-based): chr14:49,634,056-49,634,058, GCG deleted on the plus strand (CGC on the coding strand, the reverse complement: DNAAF2 is on the minus strand); deleting any 3 consecutive bases within chr14:49,634,056-49,634,067 gives the same sequence; the position shown is the placement nearest the transcript's 3' end. VCF-style (leftmost placement, unchanged base first): chr14-49634055-CGCG-C. GRCh37 (hg19) VCF-style: chr14-50100773-CGCG-C.
Other names: c.1083CGC[3], p.Ala365del (NM_001083908.2); c.1092_1094delCGC (NM_018139.2); short protein forms A365del.
Identifiers: ClinVar variation 572785 (VCV000572785.7), dbSNP rs745419780, ClinGen allele CA7172964.

ClinVar aggregate classification (germline): Uncertain significance (1 of 4 stars; one submission).

Conditions:
Primary ciliary dyskinesia. Also called: Ciliary dyskinesia. Identifiers: Orphanet 244, MedGen C0008780, MONDO:0016575, HP:0012265.

Submission:

Labcorp Genetics (formerly Invitae), Labcorp
Classification: Uncertain significance for Primary ciliary dyskinesia. Last evaluated: 2022-06-05. Review status: criteria provided, single submitter. Criteria: Invitae Variant Classification Sherloc (09022015). Collection method: clinical testing. Allele origin: germline.
Comment: This variant, c.1092_1094del, results in the deletion of 1 amino acid(s) of the DNAAF2 protein (p.Ala365del), but otherwise preserves the integrity of the reading frame. In summary, the available evidence is currently insufficient to determine the role of this variant in disease. Therefore, it has been classified as a Variant of Uncertain Significance. Experimental studies and prediction algorithms are not available or were not evaluated, and the functional significance of this variant is currently unknown. ClinVar contains an entry for this variant (Variation ID: 572785). This variant has not been reported in the literature in individuals affected with DNAAF2-related conditions. The frequency data for this variant in the population databases is considered unreliable, as metrics indicate poor data quality at this position in the gnomAD database.